The following is an entry in ClinVar:

ClinVar aggregate classification (germline): Benign/Likely benign. Review status: criteria provided, multiple submitters, no conflicts (2 of 4 stars). 5 submissions from 4 submitters: Benign (3); Likely benign (2). Last evaluated 2026-01-27.

Conditions:
Inborn genetic diseases. Identifiers: MedGen C0950123, MeSH D030342.
Charcot-Marie-Tooth disease dominant intermediate B (CMTDIB). Also called: CHARCOT-MARIE-TOOTH NEUROPATHY, DOMINANT INTERMEDIATE B; Charcot-Marie-Tooth disease dominant intermediate 1; CMT DI1; Charcot-Marie-Tooth disease dominant intermediate I. Identifiers: Orphanet 100044, Orphanet 228179, MedGen C1847902, MONDO:0011674, OMIM 606482.
Autosomal dominant centronuclear myopathy. Also called: MYOTUBULAR MYOPATHY, AUTOSOMAL DOMINANT; Myopathy, centronuclear, 3. Identifiers: Orphanet 169189, MedGen C4551952, MeSH D020914, MONDO:0008048, OMIM 160150.

Allele frequency attached by ClinVar (database versions not stated): gnomAD exomes 0.00005 and 0.00020; gnomAD 0.00006 and 0.00007; TOPMed 0.00015; ExAC 0.00016.
gnomAD v4.1: 79 of 1,614,132 alleles (0.0049%); highest among the groups gnomAD compares: East Asian, 0.16%; 1 homozygote.

Submissions (5):

Labcorp Genetics (formerly Invitae), Labcorp
Classification: Benign for Charcot-Marie-Tooth disease dominant intermediate B. Last evaluated: 2026-01-27. Review status: criteria provided, single submitter. Criteria: Invitae Variant Classification Sherloc (09022015). Collection method: clinical testing. Allele origin: germline.

Ambry Genetics
Classification: Likely benign for Inborn genetic diseases. Last evaluated: 2019-07-11. Review status: criteria provided, single submitter. Criteria: Ambry Variant Classification Scheme 2023. Collection method: clinical testing. Allele origin: germline.

Illumina Laboratory Services, Illumina
Classification: Benign for Charcot-Marie-Tooth disease dominant intermediate B. Last evaluated: 2018-01-12. Review status: criteria provided, single submitter. Criteria: ICSL Variant Classification Criteria 13 December 2019. Collection method: clinical testing. Allele origin: germline.
Comment: This variant was observed in the ICSL laboratory as part of a predisposition screen in an ostensibly healthy population. It had not been previously curated by ICSL or reported in the Human Gene Mutation Database (HGMD: prior to June 1st, 2018), and was therefore a candidate for classification through an automated scoring system. Utilizing variant allele frequency, disease prevalence and penetrance estimates, and inheritance mode, an automated score was calculated to assess if this variant is too frequent to cause the disease. Based on the score and internal cut-off values, a variant classified as benign is not then subjected to further curation. The score for this variant resulted in a classification of benign for this disease.

Illumina Laboratory Services, Illumina
Classification: Benign for Autosomal dominant centronuclear myopathy. Last evaluated: 2018-01-12. Review status: criteria provided, single submitter. Criteria: ICSL Variant Classification Criteria 13 December 2019. Collection method: clinical testing. Allele origin: germline.
Comment: the same text as in the submission from Illumina Laboratory Services, Illumina above.

GeneDx
Classification: Likely benign. Last evaluated: 2017-08-17. Review status: criteria provided, single submitter. Criteria: GeneDx Variant Classification (06012015). Collection method: clinical testing. Allele origin: germline. Affected: yes.
Comment: This variant is considered likely benign or benign based on one or more of the following criteria: it is a conservative change, it occurs at a poorly conserved position in the protein, it is predicted to be benign by multiple in silico algorithms, and/or has population frequency not consistent with disease.

NM_001005361.3(DNM2):c.450A>G (p.Pro150=)

Gene: DNM2 (dynamin 2; plus strand). Cytogenetic location: 19p13.2.
Variant type: single nucleotide variant.
Coding change: c.450A>G on transcript NM_001005361.3 (MANE Select); coding-DNA position 450, A replaced by G.
Protein change: p.Pro150=; no amino-acid change (proline 150 retained).
Molecular consequence: synonymous variant.
Genome position (GRCh38, 1-based): chr19:10,775,767, A>G. VCF-style: chr19-10775767-A-G. GRCh37 (hg19) VCF-style: chr19-10886443-A-G.
Other names: c.450A>G, p.Pro150= (NM_001005360.3, NM_001005362.3, NM_001190716.2 and 1 more transcripts).
Identifiers: ClinVar variation 327974 (VCV000327974.14), dbSNP rs766121627, ClinGen allele CA9200799.